The following is an entry in ClinVar:

NM_003743.5(NCOA1):c.2516C>T (p.Ala839Val)

Gene: NCOA1 (nuclear receptor coactivator 1; plus strand). Cytogenetic location: 2p23.3.
Variant type: single nucleotide variant.
Coding change: c.2516C>T on transcript NM_003743.5 (MANE Select); coding-DNA position 2516, C replaced by T.
Protein change: p.Ala839Val; replaces alanine 839 with valine.
Molecular consequence: missense variant.
Genome position (GRCh38, 1-based): chr2:24,711,028, C>T. VCF-style: chr2-24711028-C-T. GRCh37 (hg19) VCF-style: chr2-24933897-C-T.
Other names: c.2516C>T (NM_003743.4); c.2516C>T, p.Ala839Val (NM_001362950.1, NM_001362952.1, NM_001362954.1 and 3 more transcripts); short protein forms A839V.
Identifiers: ClinVar variation 2650722 (VCV002650722.25), dbSNP rs201790363, ClinGen allele CA1552416.

ClinVar aggregate classification (germline): Likely benign. Review status: criteria provided, single submitter (1 of 4 stars). 2 submissions from 2 submitters: Likely benign (1). 1 of the submissions does not count toward it. Last evaluated 2022-11-01.

Conditions:
NCOA1-related disorder. Also called: NCOA1-related condition.

Allele frequency attached by ClinVar (database versions not stated): gnomAD exomes 0.00006; TOPMed 0.00009; gnomAD 0.00011; ExAC 0.00018; 1000 Genomes Project 30x 0.00109; 1000 Genomes Project 0.00140.
gnomAD v4.1: 102 of 1,614,154 alleles (0.0063%); highest among the groups gnomAD compares: East Asian, 0.17%; 1 homozygote.

Submissions (2):

CeGaT Center for Human Genetics Tuebingen
Classification: Likely benign. Last evaluated: 2022-11-01. Review status: criteria provided, single submitter. Criteria: CeGaT Center For Human Genetics Tuebingen Variant Classification Criteria Version 2. Collection method: clinical testing. Allele origin: germline. Affected: yes. Observed: 1 variant allele.
Comment: NCOA1: BP4, BS2

PreventionGenetics, part of Exact Sciences
Classification: Likely benign for NCOA1-related condition. Last evaluated: 2023-05-04. Review status: no assertion criteria provided. Collection method: clinical testing. Allele origin: germline. Not counted in ClinVar's aggregate classification.
Comment: This variant is classified as likely benign based on ACMG/AMP sequence variant interpretation guidelines (Richards et al. 2015 PMID: 25741868, with internal and published modifications).